The following is an entry in ClinVar:

ClinVar aggregate classification (germline): Uncertain significance. Review status: criteria provided, multiple submitters, no conflicts (2 of 4 stars). 2 submissions from 2 submitters: Uncertain significance (2). Last evaluated 2024-02-05.

Conditions:
Primary dilated cardiomyopathy (DCM). Also called: Dilated Cardiomyopathy. Identifiers: Orphanet 217604, MedGen C0007193, MeSH D002311, MONDO:0005021, HP:0001644. Inheritance: Various modes of inheritance.
Charcot-Marie-Tooth disease type 2. Also called: Charcot-Marie-Tooth type 2. Identifiers: Orphanet 64746, MedGen C0270914, MONDO:0018993.

Allele frequency attached by ClinVar (database versions not stated): gnomAD exomes 0.00001; TOPMed below 0.00001.
gnomAD v4.1: 1 of 1,557,750 alleles (0.000064%); highest among the groups gnomAD compares: Admixed American, 0.0019%; no homozygotes.

Submissions (2):

All of Us Research Program, National Institutes of Health
Classification: Uncertain significance for Primary dilated cardiomyopathy. Last evaluated: 2024-02-05. Review status: criteria provided, single submitter. Criteria: ACMG Guidelines, 2015. Collection method: clinical testing. Allele origin: germline. Inheritance: Autosomal dominant inheritance. Observed: 3 variant alleles, 3 heterozygotes.
Comment: This missense variant replaces proline with leucine at codon 4 of the lamin A/C protein. Computational prediction is inconclusive regarding the impact of this variant on protein structure and function (internally defined REVEL score threshold 0.5 < inconclusive < 0.7, PMID: 27666373). To our knowledge, functional studies have not been reported for this variant. This variant has not been reported in individuals affected with cardiovascular disorders in the literature. This variant has been identified in 1/165310 chromosomes in the general population by the Genome Aggregation Database (gnomAD). The available evidence is insufficient to determine the role of this variant in disease conclusively. Therefore, this variant is classified as a Variant of Uncertain Significance.

This study involves interpretation of variants in research participants for the purpose of population health screening. Participant phenotype was not available at the time of variant classification. Additional details can be found in publication PMID: 35346344, PMCID: PMC8962531

Labcorp Genetics (formerly Invitae), Labcorp
Classification: Uncertain significance for Charcot-Marie-Tooth disease type 2. Last evaluated: 2023-12-27. Review status: criteria provided, single submitter. Criteria: Invitae Variant Classification Sherloc (09022015). Collection method: clinical testing. Allele origin: germline.
Comment: This sequence change replaces proline, which is neutral and non-polar, with leucine, which is neutral and non-polar, at codon 4 of the LMNA protein (p.Pro4Leu). The frequency data for this variant in the population databases is considered unreliable, as metrics indicate poor data quality at this position in the gnomAD database. This variant has not been reported in the literature in individuals affected with LMNA-related conditions. ClinVar contains an entry for this variant (Variation ID: 1393122). Advanced modeling of protein sequence and biophysical properties (such as structural, functional, and spatial information, amino acid conservation, physicochemical variation, residue mobility, and thermodynamic stability) performed at Invitae indicates that this missense variant is expected to disrupt LMNA protein function with a positive predictive value of 95%. This variant disrupts the p.Pro4 amino acid residue in LMNA. Other variant(s) that disrupt this residue have been determined to be pathogenic (PMID: 19875478, 24861648, 31378009). This suggests that this residue is clinically significant, and that variants that disrupt this residue are likely to be disease-causing. In summary, the available evidence is currently insufficient to determine the role of this variant in disease. Therefore, it has been classified as a Variant of Uncertain Significance.

Literature cited by the submitters: PubMed 19875478 (cited by Labcorp Genetics (formerly Invitae), Labcorp); PubMed 24861648 (cited by Labcorp Genetics (formerly Invitae), Labcorp); PubMed 31378009 (cited by Labcorp Genetics (formerly Invitae), Labcorp).

NM_170707.4(LMNA):c.11C>T (p.Pro4Leu)

Gene: LMNA (lamin A/C; plus strand). Cytogenetic location: 1q22.
Variant type: single nucleotide variant.
Coding change: c.11C>T on transcript NM_170707.4 (MANE Select); coding-DNA position 11, C replaced by T.
Protein change: p.Pro4Leu; replaces proline 4 with leucine.
Molecular consequence: missense variant.
Genome position (GRCh38, 1-based): chr1:156,114,929, C>T. VCF-style: chr1-156114929-C-T. GRCh37 (hg19) VCF-style: chr1-156084720-C-T.
Other names: c.11C>T, p.Pro4Leu (NM_001282625.2, NM_001282626.2, NM_005572.4 and 1 more transcripts); short protein forms P4L.
Identifiers: ClinVar variation 1393122 (VCV001393122.9), dbSNP rs267607620, ClinGen allele CA342805944.